The following is an entry in ClinVar:

ClinVar aggregate classification (germline): Benign/Likely benign. Review status: criteria provided, multiple submitters, no conflicts (2 of 4 stars). 3 submissions from 3 submitters: Benign (1); Likely benign (2). Last evaluated 2025-01-22.

Conditions:
Familial cancer of breast. Also called: Hereditary breast cancer; BREAST CANCER, FAMILIAL; hereditary breast carcinoma. Identifiers: Orphanet 227535, MedGen C0346153, MONDO:0016419, OMIM 114480. Disease mechanism: loss of function.
Hereditary cancer-predisposing syndrome. Also called: Tumor predisposition; Neoplastic Syndromes, Hereditary; Hereditary Cancer Syndrome; Hereditary neoplastic syndrome. Identifiers: Orphanet 140162, MedGen C0027672, MeSH D009386, MONDO:0015356.

Allele frequency attached by ClinVar (database versions not stated): gnomAD exomes below 0.00001.
gnomAD v4.1: 3 of 1,613,978 alleles (0.00019%); highest among the groups gnomAD compares: Non-Finnish European, 0.00025%; no homozygotes.

Submissions (3):

Myriad Genetics, Inc.
Classification: Benign for Familial cancer of breast. Last evaluated: 2025-01-22. Review status: criteria provided, single submitter. Criteria: Myriad Autosomal Dominant, Autosomal Recessive and X-Linked Classification Criteria (2023). Collection method: clinical testing. Allele origin: unknown.
Comment: This variant is considered benign. This variant is a silent/synonymous amino acid change and it is not expected to impact splicing.

Ambry Genetics
Classification: Likely benign for Hereditary cancer-predisposing syndrome. Last evaluated: 2022-10-12. Review status: criteria provided, single submitter. Criteria: Ambry Variant Classification Scheme 2023. Collection method: clinical testing. Allele origin: germline.

Labcorp Genetics (formerly Invitae), Labcorp
Classification: Likely benign for Familial cancer of breast. Last evaluated: 2018-05-08. Review status: criteria provided, single submitter. Criteria: Invitae Variant Classification Sherloc (09022015). Collection method: clinical testing. Allele origin: germline.

NM_024675.4(PALB2):c.3333T>A (p.Pro1111=)

Gene: PALB2 (partner and localizer of BRCA2; minus strand). Cytogenetic location: 16p12.2.
Variant type: single nucleotide variant.
Coding change: c.3333T>A on transcript NM_024675.4 (MANE Select); coding-DNA position 3333, T replaced by A.
Protein change: p.Pro1111=; no amino-acid change (proline 1111 retained).
Molecular consequence: synonymous variant.
Genome position (GRCh38, 1-based): chr16:23,607,881, A>T on the plus strand (T>A on the coding strand, the complement: PALB2 is on the minus strand). VCF-style: chr16-23607881-A-T. GRCh37 (hg19) VCF-style: chr16-23619202-A-T.
Identifiers: ClinVar variation 759716 (VCV000759716.13), dbSNP rs1597066587, ClinGen allele CA494175469.